The following is an entry in ClinVar:

ClinVar aggregate classification (germline): Uncertain significance (1 of 4 stars; one submission).

Allele frequency attached by ClinVar (database versions not stated): gnomAD exomes below 0.00001.
gnomAD v4.1: 1 of 1,613,732 alleles (0.000062%); highest among the groups gnomAD compares: Non-Finnish European, 0.000085%; no homozygotes.

Submission:

Labcorp Genetics (formerly Invitae), Labcorp
Classification: Uncertain significance. Last evaluated: 2022-03-15. Review status: criteria provided, single submitter. Criteria: Invitae Variant Classification Sherloc (09022015). Collection method: clinical testing. Allele origin: germline.
Comment: In summary, the available evidence is currently insufficient to determine the role of this variant in disease. Therefore, it has been classified as a Variant of Uncertain Significance. Algorithms developed to predict the effect of missense changes on protein structure and function are either unavailable or do not agree on the potential impact of this missense change (SIFT: "Deleterious"; PolyPhen-2: "Probably Damaging"; Align-GVGD: "Class C0"). This variant has not been reported in the literature in individuals affected with DCHS1-related conditions. This variant is not present in population databases (gnomAD no frequency). This sequence change replaces asparagine, which is neutral and polar, with aspartic acid, which is acidic and polar, at codon 1681 of the DCHS1 protein (p.Asn1681Asp).

NM_003737.4(DCHS1):c.5041A>G (p.Asn1681Asp)

Gene: DCHS1 (dachsous cadherin-related 1; minus strand). Cytogenetic location: 11p15.4.
Variant type: single nucleotide variant.
Coding change: c.5041A>G on transcript NM_003737.4 (MANE Select); coding-DNA position 5041, A replaced by G.
Protein change: p.Asn1681Asp; replaces asparagine 1681 with aspartic acid.
Molecular consequence: missense variant.
Genome position (GRCh38, 1-based): chr11:6,629,572, T>C on the plus strand (A>G on the coding strand, the complement: DCHS1 is on the minus strand). VCF-style: chr11-6629572-T-C. GRCh37 (hg19) VCF-style: chr11-6650803-T-C.
Other names: short protein forms N1681D.
Identifiers: ClinVar variation 2065936 (VCV002065936.4), dbSNP rs2493822355, ClinGen allele CA379397631.
Genomic context (GRCh38, chr11:6,629,572, plus strand): 5'-CAGTGTCAGGATCCAGAGAAAAGCTTTCGCTAGAGACGCCTCCATAAGTCACTTGCCCGT[T>C]GGCCCCTGAGGAGGGGCAGCATGGAGGGCGATCAGAGGGTAAAAATGCTGTTTCTTGCCC-3'
Protein context (NP_003728.1, residues 1671-1691): LRATDPDVGA[Asn1681Asp]GQVTYGGVSS